The following is an entry in ClinVar:

ClinVar aggregate classification (germline): Uncertain significance (1 of 4 stars; one submission).

gnomAD v4.1: 1 of 1,611,152 alleles (0.000062%); highest among the groups gnomAD compares: Admixed American, 0.0017%; no homozygotes.

Submission:

Labcorp Genetics (formerly Invitae), Labcorp
Classification: Uncertain significance. Last evaluated: 2025-05-27. Review status: criteria provided, single submitter. Criteria: Invitae Variant Classification Sherloc (09022015). Collection method: clinical testing. Allele origin: germline.
Comment: This sequence change replaces proline, which is neutral and non-polar, with leucine, which is neutral and non-polar, at codon 736 of the MKL1 protein (p.Pro736Leu). This variant is not present in population databases (gnomAD no frequency). This variant has not been reported in the literature in individuals affected with MKL1-related conditions. ClinVar contains an entry for this variant (Variation ID: 3605255). An algorithm developed to predict the effect of missense changes on protein structure and function (PolyPhen-2) suggests that this variant is likely to be disruptive. In summary, the available evidence is currently insufficient to determine the role of this variant in disease. Therefore, it has been classified as a Variant of Uncertain Significance.

NM_020831.6(MRTFA):c.2507C>T (p.Pro836Leu)

Gene: MRTFA (myocardin related transcription factor A; minus strand). Cytogenetic location: 22q13.1.
Variant type: single nucleotide variant.
Coding change: c.2507C>T on transcript NM_020831.6 (MANE Select); coding-DNA position 2507, C replaced by T.
Protein change: p.Pro836Leu; replaces proline 836 with leucine.
Molecular consequence: missense variant.
Genome position (GRCh38, 1-based): chr22:40,417,351, G>A on the plus strand (C>T on the coding strand, the complement: MRTFA is on the minus strand). VCF-style: chr22-40417351-G-A. GRCh37 (hg19) VCF-style: chr22-40813355-G-A.
Other names: c.2207C>T, p.Pro736Leu (NM_001282660.2); c.2357C>T, p.Pro786Leu (NM_001282661.3); c.2507C>T, p.Pro836Leu (NM_001282662.3); c.2312C>T, p.Pro771Leu (NM_001318139.2); short protein forms P736L, P771L, P786L, P836L.
Identifiers: ClinVar variation 3605255 (VCV003605255.2).